The following is an entry in ClinVar:

NM_017636.4(TRPM4):c.1831C>T (p.Arg611Trp)

Gene: TRPM4 (transient receptor potential cation channel subfamily M member 4; plus strand). Cytogenetic location: 19q13.33.
Variant type: single nucleotide variant.
Coding change: c.1831C>T on transcript NM_017636.4 (MANE Select); coding-DNA position 1831, C replaced by T.
Protein change: p.Arg611Trp; replaces arginine 611 with tryptophan.
Molecular consequence: missense variant.
Genome position (GRCh38, 1-based): chr19:49,188,728, C>T. VCF-style: chr19-49188728-C-T. GRCh37 (hg19) VCF-style: chr19-49691985-C-T.
Other names: c.1831C>T (NM_017636.3); c.1831C>T, p.Arg611Trp (NM_001195227.2); c.1486C>T, p.Arg496Trp (NM_001321281.2); c.223C>T, p.Arg75Trp (NM_001321282.2); c.1309C>T, p.Arg437Trp (NM_001321283.2); c.769C>T, p.Arg257Trp (NM_001321285.2); short protein forms R257W, R437W, R496W, R611W, R75W.
Identifiers: ClinVar variation 3612138 (VCV003612138.3).

ClinVar aggregate classification (germline): Uncertain significance. Review status: criteria provided, multiple submitters, no conflicts (2 of 4 stars). 2 submissions from 2 submitters: Uncertain significance (2). Last evaluated 2025-02-22.

Conditions:
Cardiovascular phenotype. Identifiers: MedGen CN230736.
Progressive familial heart block type IB (PFHB1B). Identifiers: Orphanet 871, MedGen C1970298, MONDO:0011474, OMIM 604559.

gnomAD v4.1: 3 of 1,614,082 alleles (0.00019%); highest among the groups gnomAD compares: East Asian, 0.0022%; no homozygotes.

Submissions (2):

Ambry Genetics
Classification: Uncertain significance for Cardiovascular phenotype. Last evaluated: 2025-02-22. Review status: criteria provided, single submitter. Criteria: Ambry Variant Classification Scheme 2023. Collection method: clinical testing. Allele origin: germline.
Comment: The p.R611W variant (also known as c.1831C>T), located in coding exon 13 of the TRPM4 gene, results from a C to T substitution at nucleotide position 1831. The arginine at codon 611 is replaced by tryptophan, an amino acid with dissimilar properties. This amino acid position is conserved. In addition, this alteration is predicted to be tolerated by in silico analysis. Based on the available evidence, the clinical significance of this variant remains unclear.

Labcorp Genetics (formerly Invitae), Labcorp
Classification: Uncertain significance for Progressive familial heart block type IB. Last evaluated: 2024-08-14. Review status: criteria provided, single submitter. Criteria: Invitae Variant Classification Sherloc (09022015). Collection method: clinical testing. Allele origin: germline.
Comment: This sequence change replaces arginine, which is basic and polar, with tryptophan, which is neutral and slightly polar, at codon 611 of the TRPM4 protein (p.Arg611Trp). This variant is present in population databases (no rsID available, gnomAD 0.003%). This variant has not been reported in the literature in individuals affected with TRPM4-related conditions. An algorithm developed to predict the effect of missense changes on protein structure and function (PolyPhen-2) suggests that this variant is likely to be disruptive. In summary, the available evidence is currently insufficient to determine the role of this variant in disease. Therefore, it has been classified as a Variant of Uncertain Significance.